The following is an entry in ClinVar:

NM_001739.2(CA5A):c.172G>A (p.Val58Met)

Gene: CA5A (carbonic anhydrase 5A; minus strand). Cytogenetic location: 16q24.2.
Variant type: single nucleotide variant.
Coding change: c.172G>A on transcript NM_001739.2 (MANE Select); coding-DNA position 172, G replaced by A.
Protein change: p.Val58Met; replaces valine 58 with methionine.
Molecular consequence: missense variant. On other transcripts: non-coding transcript variant (2).
Genome position (GRCh38, 1-based): chr16:87,926,916, C>T on the plus strand (G>A on the coding strand, the complement: CA5A is on the minus strand). VCF-style: chr16-87926916-C-T. GRCh37 (hg19) VCF-style: chr16-87960522-C-T.
Other names: c.172G>A, p.Val58Met (NM_001367225.1); short protein forms V58M.
Identifiers: ClinVar variation 798226 (VCV000798226.13), dbSNP rs200539625, ClinGen allele CA8223599.
Genomic context (GRCh38, chr16:87,926,916, plus strand): 5'-GGTCATAGACGCTGTCCCTCCACTGGATGTTAATAGGAGACTGCCGGGTGCCCCCTGGCA[C>T]GGAGACCGGGACCGTCCAGAGTGGGTGCACTGCAGGGAGAGAGACGGAGACCCTGAGTGA-3'
Protein context (NP_001730.1, residues 48-68): LHPLWTVPVS[Val58Met]PGGTRQSPIN

ClinVar aggregate classification (germline): Conflicting classifications of pathogenicity. Review status: criteria provided, conflicting classifications (1 of 4 stars). 3 submissions from 3 submitters: Uncertain significance (1); Benign (1). 1 of the submissions does not count toward it. Last evaluated 2025-11-28.

Conditions:
CA5A-related disorder. Also called: CA5A-related condition.
Hyperammonemic encephalopathy due to carbonic anhydrase VA deficiency. Also called: Carbonic Anhydrase VA Deficiency; Carbonic anhydrase VA deficiency, hyperammonemia due to. Identifiers: Orphanet 401948, MedGen C4706871, MONDO:0014332, OMIM 615751.

Allele frequency attached by ClinVar (database versions not stated): gnomAD exomes 0.00021 and 0.00042; TOPMed 0.00032; ESP Exome Variant Server 0.00046; gnomAD 0.00034 and 0.00036; ExAC 0.00042.
gnomAD v4.1: 379 of 1,597,430 alleles (0.024%); highest among the groups gnomAD compares: East Asian, 0.025%; 1 homozygote.

Submissions (3):

Labcorp Genetics (formerly Invitae), Labcorp
Classification: Benign for Hyperammonemic encephalopathy due to carbonic anhydrase VA deficiency. Last evaluated: 2025-11-28. Review status: criteria provided, single submitter. Criteria: Invitae Variant Classification Sherloc (09022015). Collection method: clinical testing. Allele origin: germline.

Revvity Omics, Revvity
Classification: Uncertain significance for Hyperammonemic encephalopathy due to carbonic anhydrase VA deficiency. Last evaluated: 2021-06-11. Review status: criteria provided, single submitter. Criteria: ACMG Guidelines, 2015. Collection method: clinical testing. Allele origin: germline.

PreventionGenetics, part of Exact Sciences
Classification: Benign for CA5A-related condition. Last evaluated: 2019-11-16. Review status: no assertion criteria provided. Collection method: clinical testing. Allele origin: germline. Not counted in ClinVar's aggregate classification.
Comment: This variant is classified as benign based on ACMG/AMP sequence variant interpretation guidelines (Richards et al. 2015 PMID: 25741868, with internal and published modifications).